The following is an entry in ClinVar:

ClinVar aggregate classification (germline): Uncertain significance (1 of 4 stars; one submission).

Allele frequency attached by ClinVar (database versions not stated): TOPMed below 0.00001.

Submission:

Labcorp Genetics (formerly Invitae), Labcorp
Classification: Uncertain significance. Last evaluated: 2022-04-10. Review status: criteria provided, single submitter. Criteria: Invitae Variant Classification Sherloc (09022015). Collection method: clinical testing. Allele origin: germline.
Comment: In summary, the available evidence is currently insufficient to determine the role of this variant in disease. Therefore, it has been classified as a Variant of Uncertain Significance. Algorithms developed to predict the effect of missense changes on protein structure and function (SIFT, PolyPhen-2, Align-GVGD) all suggest that this variant is likely to be tolerated. This variant has not been reported in the literature in individuals affected with AHR-related conditions. This variant is not present in population databases (gnomAD no frequency). This sequence change replaces serine, which is neutral and polar, with threonine, which is neutral and polar, at codon 3 of the AHR protein (p.Ser3Thr).

NM_001621.5(AHR):c.8G>C (p.Ser3Thr)

Gene: AHR (aryl hydrocarbon receptor; plus strand). Cytogenetic location: 7p21.1.
Variant type: single nucleotide variant.
Coding change: c.8G>C on transcript NM_001621.5 (MANE Select); coding-DNA position 8, G replaced by C.
Protein change: p.Ser3Thr; replaces serine 3 with threonine.
Molecular consequence: missense variant.
Genome position (GRCh38, 1-based): chr7:17,299,272, G>C. VCF-style: chr7-17299272-G-C. GRCh37 (hg19) VCF-style: chr7-17338896-G-C.
Other names: short protein forms S3T.
Identifiers: ClinVar variation 2124089 (VCV002124089.4), dbSNP rs1278062693, ClinGen allele CA367004867.